The following is an entry in ClinVar:

ClinVar aggregate classification (germline): Conflicting classifications of pathogenicity. Review status: criteria provided, conflicting classifications (1 of 4 stars). 3 submissions from 3 submitters: Uncertain significance (1); Likely benign (1). 1 of the submissions does not count toward it. Last evaluated 2026-02-02.

Conditions:
FREM2-related disorder. Also called: FREM2-related condition.

Allele frequency attached by ClinVar (database versions not stated): ESP Exome Variant Server 0.00046; gnomAD 0.00074 and 0.00084; gnomAD exomes 0.00016; ExAC 0.00018; 1000 Genomes Project 0.00060; 1000 Genomes Project 30x 0.00062; TOPMed 0.00094.
gnomAD v4.1: 247 of 1,613,532 alleles (0.015%); highest among the groups gnomAD compares: African/African-American, 0.26%; no homozygotes.

Submissions (3):

Labcorp Genetics (formerly Invitae), Labcorp
Classification: Likely benign. Last evaluated: 2026-02-02. Review status: criteria provided, single submitter. Criteria: Invitae Variant Classification Sherloc (09022015). Collection method: clinical testing. Allele origin: germline.

GeneDx
Classification: Uncertain significance. Last evaluated: 2026-01-22. Review status: criteria provided, single submitter. Criteria: GeneDx Variant Classification Process June 2021. Collection method: clinical testing. Allele origin: germline.
Comment: In silico analysis suggests that this missense variant does not alter protein structure/function; Has not been previously published as pathogenic or benign to our knowledge

PreventionGenetics, part of Exact Sciences
Classification: Likely benign for FREM2-related condition. Last evaluated: 2022-02-10. Review status: no assertion criteria provided. Collection method: clinical testing. Allele origin: germline. Not counted in ClinVar's aggregate classification.
Comment: This variant is classified as likely benign based on ACMG/AMP sequence variant interpretation guidelines (Richards et al. 2015 PMID: 25741868, with internal and published modifications).

NM_207361.6(FREM2):c.9010G>A (p.Ala3004Thr)

Gene: FREM2 (FRAS1 related extracellular matrix 2; plus strand). Cytogenetic location: 13q13.3.
Variant type: single nucleotide variant.
Coding change: c.9010G>A on transcript NM_207361.6 (MANE Select); coding-DNA position 9010, G replaced by A.
Protein change: p.Ala3004Thr; replaces alanine 3004 with threonine.
Molecular consequence: missense variant.
Genome position (GRCh38, 1-based): chr13:38,880,287, G>A. VCF-style: chr13-38880287-G-A. GRCh37 (hg19) VCF-style: chr13-39454424-G-A.
Other names: c.9010G>A (NM_207361.4); short protein forms A3004T.
Identifiers: ClinVar variation 771620 (VCV000771620.12), dbSNP rs145461540, ClinGen allele CA6956294.